The following is an entry in ClinVar:

NM_001142800.2(EYS):c.283T>G (p.Ser95Ala)

Gene: EYS (eyes shut homolog; minus strand). Cytogenetic location: 6q12.
Variant type: single nucleotide variant.
Coding change: c.283T>G on transcript NM_001142800.2 (MANE Select); coding-DNA position 283, T replaced by G.
Protein change: p.Ser95Ala; replaces serine 95 with alanine.
Molecular consequence: missense variant.
Genome position (GRCh38, 1-based): chr6:65,495,128, A>C on the plus strand (T>G on the coding strand, the complement: EYS is on the minus strand). VCF-style: chr6-65495128-A-C. GRCh37 (hg19) VCF-style: chr6-66205021-A-C.
Other names: c.283T>G, p.Ser95Ala (NM_001142801.2, NM_001292009.2, NM_198283.2); short protein forms S95A.
Identifiers: ClinVar variation 2009392 (VCV002009392.1), dbSNP rs2533029384, ClinGen allele CA364790249.

ClinVar aggregate classification (germline): Uncertain significance (1 of 4 stars; one submission).

gnomAD v4.1: 1 of 1,614,148 alleles (0.000062%); highest among the groups gnomAD compares: Admixed American, 0.0017%; no homozygotes.

Submission:

Labcorp Genetics (formerly Invitae), Labcorp
Classification: Uncertain significance. Last evaluated: 2021-11-27. Review status: criteria provided, single submitter. Criteria: Invitae Variant Classification Sherloc (09022015). Collection method: clinical testing. Allele origin: germline.
Comment: This sequence change replaces serine, which is neutral and polar, with alanine, which is neutral and non-polar, at codon 95 of the EYS protein (p.Ser95Ala). This variant is not present in population databases (gnomAD no frequency). This variant has not been reported in the literature in individuals affected with EYS-related conditions. Algorithms developed to predict the effect of missense changes on protein structure and function (SIFT, PolyPhen-2, Align-GVGD) all suggest that this variant is likely to be disruptive. Algorithms developed to predict the effect of sequence changes on RNA splicing suggest that this variant may create or strengthen a splice site. In summary, the available evidence is currently insufficient to determine the role of this variant in disease. Therefore, it has been classified as a Variant of Uncertain Significance.